The following is an entry in ClinVar:

GRCh38/hg38 20q13.33(chr20:63827808-64100279)x3

Genes: ABHD16B (abhydrolase domain containing 16B; plus strand), C20orf181 (chromosome 20 putative open reading frame 181; minus strand), C20orf204 (chromosome 20 open reading frame 204; plus strand), DNAJC5 (DnaJ heat shock protein family (Hsp40) member C5; plus strand), LKAAEAR1 (LKAAEAR motif containing 1; minus strand) and 60 more. Cytogenetic location: 20q13.33.
Variant type: copy number gain.
Change: copy number 3 (three copies instead of two) of chr20:63,827,808-64,100,279 (272.5 kb, GRCh38 coordinates, 1-based), cytogenetic band 20q13.33.
Identifiers: ClinVar variation 57315 (VCV000057315.1).

ClinVar aggregate classification (germline): Uncertain significance (1 of 4 stars; one submission).

Submission:

ISCA site 4
Classification: Uncertain significance. Last evaluated: 2011-08-12. Review status: criteria provided, single submitter. Criteria: Kaminsky et al. (Genet Med. 2011). Collection method: clinical testing. Allele origin: unknown. Affected: yes. Observed: 1 variant allele.
Comment: Copy number variation identified through the course of routine clinical cytogenomic testing in postnatal populations. Clinical assertions have been curated as described in Kaminsky et al. 2011.